The following is an entry in ClinVar:

ClinVar aggregate classification (germline): Uncertain significance. Review status: criteria provided, multiple submitters, no conflicts (2 of 4 stars). 2 submissions from 2 submitters: Uncertain significance (2). Last evaluated 2024-09-06.

Conditions:
Inborn genetic diseases. Identifiers: MedGen C0950123, MeSH D030342.

Allele frequency attached by ClinVar (database versions not stated): gnomAD exomes below 0.00001; ExAC 0.00001; gnomAD 0.00001; TOPMed 0.00001.
gnomAD v4.1: 3 of 1,613,936 alleles (0.00019%); highest among the groups gnomAD compares: African/African-American, 0.0013%; no homozygotes.

Submissions (2):

Labcorp Genetics (formerly Invitae), Labcorp
Classification: Uncertain significance. Last evaluated: 2024-09-06. Review status: criteria provided, single submitter. Criteria: Invitae Variant Classification Sherloc (09022015). Collection method: clinical testing. Allele origin: germline.
Comment: This sequence change replaces glutamic acid, which is acidic and polar, with aspartic acid, which is acidic and polar, at codon 1509 of the SMARCA2 protein (p.Glu1509Asp). This variant is present in population databases (rs749281827, gnomAD 0.007%). This variant has not been reported in the literature in individuals affected with SMARCA2-related conditions. ClinVar contains an entry for this variant (Variation ID: 2227694). Invitae Evidence Modeling of protein sequence and biophysical properties (such as structural, functional, and spatial information, amino acid conservation, physicochemical variation, residue mobility, and thermodynamic stability) indicates that this missense variant is not expected to disrupt SMARCA2 protein function with a negative predictive value of 80%. In summary, the available evidence is currently insufficient to determine the role of this variant in disease. Therefore, it has been classified as a Variant of Uncertain Significance.

Ambry Genetics
Classification: Uncertain significance for Inborn genetic diseases. Last evaluated: 2020-10-22. Review status: criteria provided, single submitter. Criteria: Ambry Variant Classification Scheme 2023. Collection method: clinical testing. Allele origin: germline.
Comment: The c.4527G>C (p.E1509D) alteration is located in exon 32 (coding exon 31) of the SMARCA2 gene. This alteration results from a G to C substitution at nucleotide position 4527, causing the glutamic acid (E) at amino acid position 1509 to be replaced by an aspartic acid (D). Based on data from the Genome Aggregation Database (gnomAD) database, the SMARCA2 c.4527G>C alteration was observed in <0.01% (1/248710) of total alleles studied. This amino acid position is well conserved in available vertebrate species. The p.E1509D alteration is predicted to be tolerated by in silico analysis. Based on insufficient or conflicting evidence, the clinical significance of this alteration remains unclear.

NM_003070.5(SMARCA2):c.4527G>C (p.Glu1509Asp)

Gene: SMARCA2 (SWI/SNF related BAF chromatin remodeling complex subunit ATPase 2; plus strand). Cytogenetic location: 9p24.3.
Variant type: single nucleotide variant.
Coding change: c.4527G>C on transcript NM_003070.5 (MANE Select); coding-DNA position 4527, G replaced by C.
Protein change: p.Glu1509Asp; replaces glutamic acid 1509 with aspartic acid.
Molecular consequence: missense variant.
Genome position (GRCh38, 1-based): chr9:2,186,161, G>C. VCF-style: chr9-2186161-G-C. GRCh37 (hg19) VCF-style: chr9-2186161-G-C.
Other names: c.4527G>C, p.Glu1509Asp (NM_001289396.2); c.4299G>C, p.Glu1433Asp (NM_001289397.2); c.501G>C, p.Glu167Asp (NM_001289398.2); c.585G>C, p.Glu195Asp (NM_001289399.2); c.591G>C, p.Glu197Asp (NM_001289400.2); c.4473G>C, p.Glu1491Asp (NM_139045.4); short protein forms E1509D, E195D, E1433D, E167D, E1491D, E197D.
Identifiers: ClinVar variation 2227694 (VCV002227694.4), dbSNP rs749281827, ClinGen allele CA4964209.
Genomic context (GRCh38, chr9:2,186,161, plus strand): 5'-TGAAGACTCCATCGTCTTACAGTCAGTGTTTAAGAGTGCCCGGCAGAAAATTGCCAAAGA[G>C]GAAGAGAGTGAGGATGAAAGCAATGAAGAGGAGGAAGAGGAAGATGAAGAAGAGTCAGAG-3'
Protein context (NP_003061.3, residues 1499-1519): FKSARQKIAK[Glu1509Asp]EESEDESNEE